The following is an entry in ClinVar:

NM_017763.6(RNF43):c.1318C>T (p.Pro440Ser)

Gene: RNF43 (ring finger protein 43; minus strand). Cytogenetic location: 17q22.
Variant type: single nucleotide variant.
Coding change: c.1318C>T on transcript NM_017763.6 (MANE Select); coding-DNA position 1318, C replaced by T.
Protein change: p.Pro440Ser; replaces proline 440 with serine.
Molecular consequence: missense variant.
Genome position (GRCh38, 1-based): chr17:58,358,458, G>A on the plus strand (C>T on the coding strand, the complement: RNF43 is on the minus strand). VCF-style: chr17-58358458-G-A. GRCh37 (hg19) VCF-style: chr17-56435819-G-A.
Other names: c.1318C>T, p.Pro440Ser (NM_001305544.3); c.937C>T, p.Pro313Ser (NM_001305545.2); short protein forms P313S, P440S.
Identifiers: ClinVar variation 1061784 (VCV001061784.10), dbSNP rs150996748, ClinGen allele CA8673195.
Genomic context (GRCh38, chr17:58,358,458, plus strand): 5'-CTGCCAGGTACCCACTGCGTTCTGTGCAATAGCTTTCTCCAGATCCACTGCTGTCAGGGG[G>A]CCTGGCCCGGCGTAGGGGCACTGGGCAAGCAGCAGGGTGCTGTGAGGTGGATTGGAGGTG-3'
Protein context (NP_060233.3, residues 430-450): ACPVPLRRAR[Pro440Ser]PDSSGSGESY

ClinVar aggregate classification (germline): Uncertain significance. Review status: criteria provided, multiple submitters, no conflicts (2 of 4 stars). 2 submissions from 2 submitters: Uncertain significance (2). Last evaluated 2025-03-10.

Allele frequency attached by ClinVar (database versions not stated): ExAC 0.00001; gnomAD exomes 0.00001; gnomAD 0.00003 and 0.00004; ESP Exome Variant Server 0.00008.
gnomAD v4.1: 8 of 1,613,830 alleles (0.0005%); highest among the groups gnomAD compares: African/African-American, 0.011%; no homozygotes.

Submissions (2):

Ambry Genetics
Classification: Uncertain significance. Last evaluated: 2025-03-10. Review status: criteria provided, single submitter. Criteria: Ambry Variant Classification Scheme 2023. Collection method: clinical testing. Allele origin: germline.
Comment: The p.P440S variant (also known as c.1318C>T), located in coding exon 8 of the RNF43 gene, results from a C to T substitution at nucleotide position 1318. The proline at codon 440 is replaced by serine, an amino acid with similar properties. This amino acid position is conserved. In addition, this alteration is predicted to be tolerated by in silico analysis. Based on the available evidence, the clinical significance of this variant remains unclear.

Labcorp Genetics (formerly Invitae), Labcorp
Classification: Uncertain significance. Last evaluated: 2022-03-12. Review status: criteria provided, single submitter. Criteria: Invitae Variant Classification Sherloc (09022015). Collection method: clinical testing. Allele origin: germline.
Comment: In summary, the available evidence is currently insufficient to determine the role of this variant in disease. Therefore, it has been classified as a Variant of Uncertain Significance. Algorithms developed to predict the effect of sequence changes on RNA splicing suggest that this variant may create or strengthen a splice site. Algorithms developed to predict the effect of missense changes on protein structure and function are either unavailable or do not agree on the potential impact of this missense change (SIFT: "Tolerated"; PolyPhen-2: "Possibly Damaging"; Align-GVGD: "Class C0"). ClinVar contains an entry for this variant (Variation ID: 1061784). This variant has not been reported in the literature in individuals affected with RNF43-related conditions. This variant is present in population databases (rs150996748, gnomAD 0.01%). This sequence change replaces proline, which is neutral and non-polar, with serine, which is neutral and polar, at codon 440 of the RNF43 protein (p.Pro440Ser).